The following is an entry in ClinVar:

ClinVar aggregate classification (germline): Likely pathogenic. Review status: criteria provided, multiple submitters, no conflicts (2 of 4 stars). 2 submissions from 2 submitters: Likely pathogenic (2). Last evaluated 2023-01-23.

Conditions:
Autosomal recessive limb-girdle muscular dystrophy type 2F (LGMDR6). Also called: Muscular dystrophy limb-girdle with delta-sarcoglyan deficiency; MUSCULAR DYSTROPHY, LIMB-GIRDLE, AUTOSOMAL RECESSIVE 6. Identifiers: Orphanet 219, MedGen C1832525, MONDO:0011028, OMIM 601287. Disease mechanism: Affects gamma-sarcoglycan and also disrupts the integrity of the entire sarcoglycan complex..
Dilated cardiomyopathy 1L (CMD1L). Identifiers: Orphanet 154, MedGen C1847667, MONDO:0011702, OMIM 606685.

Submissions (2):

Labcorp Genetics (formerly Invitae), Labcorp
Classification: Likely pathogenic for Autosomal recessive limb-girdle muscular dystrophy type 2F. Last evaluated: 2023-01-23. Review status: criteria provided, single submitter. Criteria: Invitae Variant Classification Sherloc (09022015). Collection method: clinical testing. Allele origin: germline.
Comment: In summary, the currently available evidence indicates that the variant is pathogenic, but additional data are needed to prove that conclusively. Therefore, this variant has been classified as Likely Pathogenic. Algorithms developed to predict the effect of sequence changes on RNA splicing suggest that this variant may disrupt the consensus splice site. ClinVar contains an entry for this variant (Variation ID: 583211). This variant has not been reported in the literature in individuals affected with SGCD-related conditions. This variant is not present in population databases (gnomAD no frequency). This sequence change affects an acceptor splice site in intron 2 of the SGCD gene. It is expected to disrupt RNA splicing. Variants that disrupt the donor or acceptor splice site typically lead to a loss of protein function (PMID: 16199547), and loss-of-function variants in SGCD are known to be pathogenic (PMID: 8841194, 10735275, 10838250).

Baylor Genetics
Classification: Likely pathogenic for Dilated cardiomyopathy 1L. Last evaluated: 2022-12-21. Review status: criteria provided, single submitter. Criteria: ACMG Guidelines, 2015. Collection method: clinical testing. Allele origin: unknown.

Literature cited by the submitters: PubMed 16199547 (cited by Labcorp Genetics (formerly Invitae), Labcorp); PubMed 8841194 (cited by Labcorp Genetics (formerly Invitae), Labcorp); PubMed 10735275 (cited by Labcorp Genetics (formerly Invitae), Labcorp); PubMed 10838250 (cited by Labcorp Genetics (formerly Invitae), Labcorp).

NM_000337.6(SGCD):c.4-1G>T

Gene: SGCD (sarcoglycan delta; plus strand). Cytogenetic location: 5q33.3.
Variant type: single nucleotide variant.
Coding change: c.4-1G>T on transcript NM_000337.6 (MANE Select); the canonical splice acceptor site of the intron before coding-DNA position 4, G replaced by T.
Molecular consequence: splice acceptor variant.
Genome position (GRCh38, 1-based): chr5:156,344,488, G>T. VCF-style: chr5-156344488-G-T. GRCh37 (hg19) VCF-style: chr5-155771498-G-T.
Other names: c.1-1G>T (NM_001128209.2); c.4-1G>T (NM_172244.3).
Identifiers: ClinVar variation 583211 (VCV000583211.8), dbSNP rs1554094927, ClinGen allele CA362007487.